The following is an entry in ClinVar:

NM_002133.3(HMOX1):c.338G>A (p.Arg113His)

Gene: HMOX1 (heme oxygenase 1; plus strand). Cytogenetic location: 22q12.3.
Variant type: single nucleotide variant.
Coding change: c.338G>A on transcript NM_002133.3 (MANE Select); coding-DNA position 338, G replaced by A.
Protein change: p.Arg113His; replaces arginine 113 with histidine.
Molecular consequence: missense variant.
Genome position (GRCh38, 1-based): chr22:35,386,878, G>A. VCF-style: chr22-35386878-G-A. GRCh37 (hg19) VCF-style: chr22-35782871-G-A.
Other names: p.Arg113His; short protein forms R113H.
Identifiers: ClinVar variation 1427669 (VCV001427669.7), dbSNP rs11555830, ClinGen allele CA10204699.
Genomic context (GRCh38, chr22:35,386,878, plus strand): 5'-TGGCCTTCTGGTACGGGCCCCGCTGGCAGGAGGTCATCCCCTACACACCAGCCATGCAGC[G>A]CTATGTGAAGCGGCTCCACGAGGTGGGGCGCACAGAGCCCGAGCTGCTGGTGGCCCACGC-3'
Protein context (NP_002124.1, residues 103-123): EVIPYTPAMQ[Arg113His]YVKRLHEVGR

ClinVar aggregate classification (germline): Conflicting classifications of pathogenicity. Review status: criteria provided, conflicting classifications (1 of 4 stars). 3 submissions from 3 submitters: Uncertain significance (2); Likely benign (1). Last evaluated 2024-07-02.

Allele frequency attached by ClinVar (database versions not stated): gnomAD exomes 0.00002 and 0.00006; ExAC 0.00007; gnomAD 0.00014 and 0.00017; ESP Exome Variant Server 0.00015; TOPMed 0.00015.
gnomAD v4.1: 65 of 1,614,118 alleles (0.004%); highest among the groups gnomAD compares: African/African-American, 0.04%; 1 homozygote.

Submissions (3):

Blueprint Genetics
Classification: Likely benign. Last evaluated: 2024-07-02. Review status: criteria provided, single submitter. Criteria: ACMG Guidelines, 2015. Collection method: clinical testing. Allele origin: germline.

Labcorp Genetics (formerly Invitae), Labcorp
Classification: Uncertain significance. Last evaluated: 2022-03-19. Review status: criteria provided, single submitter. Criteria: Invitae Variant Classification Sherloc (09022015). Collection method: clinical testing. Allele origin: germline.
Comment: This sequence change replaces arginine, which is basic and polar, with histidine, which is basic and polar, at codon 113 of the HMOX1 protein (p.Arg113His). This variant is present in population databases (rs11555830, gnomAD 0.03%). This variant has not been reported in the literature in individuals affected with HMOX1-related conditions. Algorithms developed to predict the effect of missense changes on protein structure and function output the following: SIFT: "Tolerated"; PolyPhen-2: "Benign"; Align-GVGD: "Class C0". The histidine amino acid residue is found in multiple mammalian species, which suggests that this missense change does not adversely affect protein function. In summary, the available evidence is currently insufficient to determine the role of this variant in disease. Therefore, it has been classified as a Variant of Uncertain Significance.

Mayo Clinic Laboratories, Mayo Clinic
Classification: Uncertain significance. Last evaluated: 2022-01-17. Review status: criteria provided, single submitter. Criteria: ACMG Guidelines, 2015. Collection method: clinical testing. Allele origin: germline.